The following is an entry in ClinVar:

NM_000276.4(OCRL):c.2637G>C (p.Gln879His)

Gene: OCRL (OCRL inositol polyphosphate-5-phosphatase; plus strand). Cytogenetic location: Xq26.1.
Variant type: single nucleotide variant.
Coding change: c.2637G>C on transcript NM_000276.4 (MANE Select); coding-DNA position 2637, G replaced by C.
Protein change: p.Gln879His; replaces glutamine 879 with histidine.
Molecular consequence: missense variant.
Genome position (GRCh38, 1-based): chrX:129,590,201, G>C. VCF-style: chrX-129590201-G-C. GRCh37 (hg19) VCF-style: chrX-128724178-G-C.
Other names: c.2640G>C, p.Gln880His (NM_001318784.2); c.2613G>C, p.Gln871His (NM_001587.4); short protein forms Q871H, Q879H, Q880H.
Identifiers: ClinVar variation 4681813 (VCV004681813.5).

ClinVar aggregate classification (germline): Uncertain significance (1 of 4 stars; one submission).

gnomAD v4.1: 1 of 1,211,337 alleles (0.000083%); highest among the groups gnomAD compares: Admixed American, 0.0022%; no homozygotes.

Submission:

CeGaT Center for Human Genetics Tuebingen
Classification: Uncertain significance. Last evaluated: 2025-11-01. Review status: criteria provided, single submitter. Criteria: CeGaT Center For Human Genetics Tuebingen Variant Classification Criteria Version 2. Collection method: clinical testing. Allele origin: germline. Affected: yes. Observed: 1 variant allele.
Comment: OCRL: PM2, BP4